The following is an entry in ClinVar:

ClinVar aggregate classification (germline): Uncertain significance (1 of 4 stars; one submission).

Conditions:
Inborn genetic diseases. Identifiers: MedGen C0950123, MeSH D030342.

Submission:

Ambry Genetics
Classification: Uncertain significance for Inborn genetic diseases. Last evaluated: 2026-03-23. Review status: criteria provided, single submitter. Criteria: Ambry Variant Classification Scheme 2023. Collection method: clinical testing. Allele origin: germline.
Comment: The p.A730S variant (also known as c.2188G>T), located in coding exon 15 of the MIB1 gene, results from a G to T substitution at nucleotide position 2188. The alanine at codon 730 is replaced by serine, an amino acid with similar properties. This amino acid position is conserved. In addition, this alteration is predicted to be tolerated by in silico analysis. Based on the available evidence, the clinical significance of this variant remains unclear.

NM_020774.4(MIB1):c.2188G>T (p.Ala730Ser)

Gene: MIB1 (MIB E3 ubiquitin protein ligase 1; plus strand). Cytogenetic location: 18q11.2.
Variant type: single nucleotide variant.
Coding change: c.2188G>T on transcript NM_020774.4 (MANE Select); coding-DNA position 2188, G replaced by T.
Protein change: p.Ala730Ser; replaces alanine 730 with serine.
Molecular consequence: missense variant.
Genome position (GRCh38, 1-based): chr18:21,844,230, G>T. VCF-style: chr18-21844230-G-T. GRCh37 (hg19) VCF-style: chr18-19424191-G-T.
Other names: short protein forms A730S.
Identifiers: ClinVar variation 4860022 (VCV004860022.1).